The following is an entry in ClinVar:

NM_006904.7(PRKDC):c.596C>T (p.Ala199Val)

Gene: PRKDC (protein kinase, DNA-activated, catalytic subunit; minus strand). Cytogenetic location: 8q11.21.
Variant type: single nucleotide variant.
Coding change: c.596C>T on transcript NM_006904.7 (MANE Select); coding-DNA position 596, C replaced by T.
Protein change: p.Ala199Val; replaces alanine 199 with valine.
Molecular consequence: missense variant.
Genome position (GRCh38, 1-based): chr8:47,953,832, G>A on the plus strand (C>T on the coding strand, the complement: PRKDC is on the minus strand). VCF-style: chr8-47953832-G-A. GRCh37 (hg19) VCF-style: chr8-48866392-G-A.
Other names: c.596C>T, p.Ala199Val (NM_001081640.2); short protein forms A199V.
Identifiers: ClinVar variation 2626369 (VCV002626369.2), dbSNP rs2551881793, ClinGen allele CA371138744.
Genomic context (GRCh38, chr8:47,953,832, plus strand): 5'-TCTATGGAAGCAGAATGTCATAAAGTTCATCATACCTGGGTCTTAAGTTCACCCAGAAAA[G>A]CGCGGAACAGGTTTTCTGCATTATTTATCATCTCACTAGGATGAACTTCACCCAATAATC-3'
Protein context (NP_008835.5, residues 189-209): MINNAENLFR[Ala199Val]FLGELKTQMT

ClinVar aggregate classification (germline): Uncertain significance (1 of 4 stars; one submission).

Submission:

Ambry Genetics
Classification: Uncertain significance. Last evaluated: 2023-09-14. Review status: criteria provided, single submitter. Criteria: Ambry Variant Classification Scheme 2023. Collection method: clinical testing. Allele origin: germline.
Comment: The p.A199V variant (also known as c.596C>T), located in coding exon 6 of the PRKDC gene, results from a C to T substitution at nucleotide position 596. The alanine at codon 199 is replaced by valine, an amino acid with similar properties. This amino acid position is conserved. In addition, the in silico prediction for this alteration is inconclusive. Since supporting evidence is limited at this time, the clinical significance of this alteration remains unclear.